The following is an entry in ClinVar:

NM_007103.3(NDUFV1):c.-320A>G

Genes: NDUFV1 (NADH:ubiquinone oxidoreductase core subunit V1; plus strand), NDUFV1-DT (NDUFV1 divergent transcript; minus strand). Cytogenetic location: 11q13.2.
Variant type: single nucleotide variant.
Coding change: c.-320A>G on transcript NM_007103.3; 320 bases upstream of the start codon, A replaced by G.
Molecular consequence: non-coding transcript variant (on NR_130935.1).
Genome position (GRCh38, 1-based): chr11:67,606,685, A>G. VCF-style: chr11-67606685-A-G. GRCh37 (hg19) VCF-style: chr11-67374156-A-G.
Identifiers: ClinVar variation 683144 (VCV000683144.3), dbSNP rs2514013, ClinGen allele CA13520337.

ClinVar aggregate classification (germline): Benign (1 of 4 stars; one submission).

Allele frequency attached by ClinVar (database versions not stated): 1000 Genomes Project 30x 0.95253; TOPMed 0.95053; gnomAD 0.95641 and 0.95325; 1000 Genomes Project 0.95787; gnomAD exomes 0.99397.

Submission:

GeneDx
Classification: Benign. Last evaluated: 2018-06-14. Review status: criteria provided, single submitter. Criteria: GeneDx Variant Classification (06012015). Collection method: clinical testing. Allele origin: germline. Affected: yes.
Comment: This variant is considered likely benign or benign based on one or more of the following criteria: it is a conservative change, it occurs at a poorly conserved position in the protein, it is predicted to be benign by multiple in silico algorithms, and/or has population frequency not consistent with disease.